The following is an entry in ClinVar:

NM_144643.4(SCLT1):c.1698G>T (p.Met566Ile)

Gene: SCLT1 (sodium channel and clathrin linker 1; minus strand). Cytogenetic location: 4q28.2.
Variant type: single nucleotide variant.
Coding change: c.1698G>T on transcript NM_144643.4 (MANE Select); coding-DNA position 1698, G replaced by T.
Protein change: p.Met566Ile; replaces methionine 566 with isoleucine.
Molecular consequence: missense variant.
Genome position (GRCh38, 1-based): chr4:128,936,786, C>A on the plus strand (G>T on the coding strand, the complement: SCLT1 is on the minus strand). VCF-style: chr4-128936786-C-A. GRCh37 (hg19) VCF-style: chr4-129857941-C-A.
Other names: c.1698G>T (NM_144643.3); short protein forms M566I.
Identifiers: ClinVar variation 1388044 (VCV001388044.6), dbSNP rs1347846930, ClinGen allele CA358184005.
Genomic context (GRCh38, chr4:128,936,786, plus strand): 5'-CTTCTGTTGAGTCGCTAGGAGATGCCTCAGTTCAACAATGGAATTTCTATTACTGTCTTC[C>A]ATCTCTCTCAATTGAACTTCAAATCCACGTTCCTTTATTGAAAATTCATGTTCCATTGTA-3'
Protein context (NP_653244.2, residues 556-576): ERGFEVQLRE[Met566Ile]EDSNRNSIVE

ClinVar aggregate classification (germline): Uncertain significance. Review status: criteria provided, multiple submitters, no conflicts (2 of 4 stars). 2 submissions from 2 submitters: Uncertain significance (2). Last evaluated 2025-11-26.

Conditions:
SCLT1-related disorder. Also called: SCLT1-related condition.

Allele frequency attached by ClinVar (database versions not stated): gnomAD exomes below 0.00001 and 0.00001; TOPMed below 0.00001.
gnomAD v4.1: 4 of 1,608,020 alleles (0.00025%); highest among the groups gnomAD compares: Admixed American, 0.0067%; no homozygotes.

Submissions (2):

PreventionGenetics, part of Exact Sciences
Classification: Uncertain significance for SCLT1-related condition. Last evaluated: 2025-11-26. Review status: criteria provided, single submitter. Criteria: ACMG Guidelines, 2015. Collection method: clinical testing. Allele origin: germline.
Comment: The SCLT1 c.1698G>T variant is predicted to result in the amino acid substitution p.Met566Ile. To our knowledge, this variant has not been reported in the literature. This variant is reported in 0.0088% of alleles in individuals of Latino descent in gnomAD. At this time, the clinical significance of this variant is uncertain due to the absence of conclusive functional and genetic evidence.

Labcorp Genetics (formerly Invitae), Labcorp
Classification: Uncertain significance. Last evaluated: 2022-10-17. Review status: criteria provided, single submitter. Criteria: Invitae Variant Classification Sherloc (09022015). Collection method: clinical testing. Allele origin: germline.
Comment: This sequence change replaces methionine, which is neutral and non-polar, with isoleucine, which is neutral and non-polar, at codon 566 of the SCLT1 protein (p.Met566Ile). The frequency data for this variant in the population databases is considered unreliable, as metrics indicate poor data quality at this position in the gnomAD database. This variant has not been reported in the literature in individuals affected with SCLT1-related conditions. ClinVar contains an entry for this variant (Variation ID: 1388044). Algorithms developed to predict the effect of missense changes on protein structure and function are either unavailable or do not agree on the potential impact of this missense change (SIFT: "Deleterious"; PolyPhen-2: "Benign"; Align-GVGD: "Class C0"). In summary, the available evidence is currently insufficient to determine the role of this variant in disease. Therefore, it has been classified as a Variant of Uncertain Significance.